The following is an entry in ClinVar:

NM_003823.4(TNFRSF6B):c.83G>A (p.Arg28His)

Genes: RTEL1-TNFRSF6B (RTEL1-TNFRSF6B readthrough (NMD candidate); plus strand), TNFRSF6B (TNF receptor superfamily member 6b; plus strand). Cytogenetic location: 20q13.33.
Variant type: single nucleotide variant.
Coding change: c.83G>A on transcript NM_003823.4 (MANE Select); coding-DNA position 83, G replaced by A.
Protein change: p.Arg28His; replaces arginine 28 with histidine.
Molecular consequence: missense variant. On other transcripts: non-coding transcript variant (1).
Genome position (GRCh38, 1-based): chr20:63,696,850, G>A. VCF-style: chr20-63696850-G-A. GRCh37 (hg19) VCF-style: chr20-62328203-G-A.
Other names: short protein forms R28H.
Identifiers: ClinVar variation 2899019 (VCV002899019.3), dbSNP rs370000278, ClinGen allele CA317533696.

ClinVar aggregate classification (germline): Uncertain significance (1 of 4 stars; one submission).

Allele frequency attached by ClinVar (database versions not stated): gnomAD exomes below 0.00001; gnomAD 0.00002.
gnomAD v4.1: 9 of 1,611,402 alleles (0.00056%); highest among the groups gnomAD compares: African/African-American, 0.0027%; no homozygotes.

Submission:

Labcorp Genetics (formerly Invitae), Labcorp
Classification: Uncertain significance. Last evaluated: 2025-05-03. Review status: criteria provided, single submitter. Criteria: Invitae Variant Classification Sherloc (09022015). Collection method: clinical testing. Allele origin: germline.
Comment: This sequence change replaces arginine, which is basic and polar, with histidine, which is basic and polar, at codon 28 of the TNFRSF6B protein (p.Arg28His). The frequency data for this variant in the population databases is considered unreliable, as metrics indicate poor data quality at this position in the gnomAD database. This variant has not been reported in the literature in individuals affected with TNFRSF6B-related conditions. ClinVar contains an entry for this variant (Variation ID: 2899019). An algorithm developed to predict the effect of missense changes on protein structure and function outputs the following: PolyPhen-2: "Not Available". The histidine amino acid residue is found in multiple mammalian species, which suggests that this missense change does not adversely affect protein function. In summary, the available evidence is currently insufficient to determine the role of this variant in disease. Therefore, it has been classified as a Variant of Uncertain Significance.